The following is an entry in ClinVar:

NM_004408.4(DNM1):c.1398G>T (p.Glu466Asp)

Gene: DNM1 (dynamin 1; plus strand). Cytogenetic location: 9q34.11.
Variant type: single nucleotide variant.
Coding change: c.1398G>T on transcript NM_004408.4 (MANE Select); coding-DNA position 1398, G replaced by T.
Protein change: p.Glu466Asp; replaces glutamic acid 466 with aspartic acid.
Molecular consequence: missense variant.
Genome position (GRCh38, 1-based): chr9:128,234,083, G>T. VCF-style: chr9-128234083-G-T. GRCh37 (hg19) VCF-style: chr9-130996362-G-T.
Other names: c.1398G>T, p.Glu466Asp (NM_001005336.3, NM_001288737.2, NM_001288738.2 and 2 more transcripts); short protein forms E466D.
Identifiers: ClinVar variation 3365390 (VCV003365390.1).

ClinVar aggregate classification (germline): Uncertain significance (1 of 4 stars; one submission).

Submission:

GeneDx
Classification: Uncertain significance. Last evaluated: 2024-01-02. Review status: criteria provided, single submitter. Criteria: GeneDx Variant Classification Process June 2021. Collection method: clinical testing. Allele origin: germline. Affected: yes.
Comment: Not observed at significant frequency in large population cohorts (gnomAD); In silico analysis supports that this missense variant does not alter protein structure/function; Has not been previously published as pathogenic or benign to our knowledge